The following is an entry in ClinVar:

ClinVar aggregate classification (germline): Uncertain significance (1 of 4 stars; one submission).

Conditions:
Walker-Warburg congenital muscular dystrophy. Also called: Muscular dystrophy-dystroglycanopathy, type A; Walker-Warburg syndrome. Identifiers: Orphanet 899, MedGen C0265221, MONDO:0000171.

Allele frequency attached by ClinVar (database versions not stated): TOPMed below 0.00001; gnomAD 0.00001.
gnomAD v4.1: 1 of 1,613,746 alleles (0.000062%); highest among the groups gnomAD compares: African/African-American, 0.0013%; no homozygotes.

Submission:

Labcorp Genetics (formerly Invitae), Labcorp
Classification: Uncertain significance for Walker-Warburg congenital muscular dystrophy. Last evaluated: 2022-01-17. Review status: criteria provided, single submitter. Criteria: Invitae Variant Classification Sherloc (09022015). Collection method: clinical testing. Allele origin: germline.
Comment: This sequence change replaces tyrosine, which is neutral and polar, with asparagine, which is neutral and polar, at codon 183 of the FKTN protein (p.Tyr183Asn). In summary, the available evidence is currently insufficient to determine the role of this variant in disease. Therefore, it has been classified as a Variant of Uncertain Significance. Algorithms developed to predict the effect of missense changes on protein structure and function (SIFT, PolyPhen-2, Align-GVGD) all suggest that this variant is likely to be disruptive. This variant has not been reported in the literature in individuals affected with FKTN-related conditions. This variant is not present in population databases (gnomAD no frequency).

NM_001079802.2(FKTN):c.547T>A (p.Tyr183Asn)

Gene: FKTN (fukutin; plus strand). Cytogenetic location: 9q31.2.
Variant type: single nucleotide variant.
Coding change: c.547T>A on transcript NM_001079802.2 (MANE Select); coding-DNA position 547, T replaced by A.
Protein change: p.Tyr183Asn; replaces tyrosine 183 with asparagine.
Molecular consequence: missense variant. On other transcripts: non-coding transcript variant (2).
Genome position (GRCh38, 1-based): chr9:105,604,392, T>A. VCF-style: chr9-105604392-T-A. GRCh37 (hg19) VCF-style: chr9-108366673-T-A.
Other names: c.547T>A, p.Tyr183Asn (NM_001198963.2, NM_001351496.2, NM_001351498.2 and 1 more transcripts); c.478T>A, p.Tyr160Asn (NM_001351497.2); c.151T>A, p.Tyr51Asn (NM_001351499.2, NM_001351500.2, NM_001351501.2 and 1 more transcripts); short protein forms Y160N, Y51N, Y183N.
Identifiers: ClinVar variation 1364314 (VCV001364314.6), dbSNP rs1163774436, ClinGen allele CA374332224.
Genomic context (GRCh38, chr9:105,604,392, plus strand): 5'-ATCTGCAAACTGGCCACTCATGCGATCCACTTGGTAGTCTTTCATGAGAGGAGTGGCAAC[T>A]ACCTCTGGCACGGCCACTTGAGACTTAAAGAACACATTGACAGGAAATTTGTTCCCTTCC-3'
Protein context (NP_001073270.1, residues 173-193): LVVFHERSGN[Tyr183Asn]LWHGHLRLKE